The following is an entry in ClinVar:

ClinVar aggregate classification (germline): Uncertain significance (1 of 4 stars; one submission).

Conditions:
Left ventricular noncompaction 1 (LVNC1). Also called: LEFT VENTRICULAR NONCOMPACTION 1 WITH OR WITHOUT CONGENITAL HEART DEFECTS. Identifiers: Orphanet 54260, MedGen C1858725, MONDO:0011403, OMIM 604169.

Allele frequency attached by ClinVar (database versions not stated): gnomAD 0.00001; TOPMed 0.00001; ExAC 0.00002.
gnomAD v4.1: 12 of 1,614,034 alleles (0.00074%); highest among the groups gnomAD compares: Admixed American, 0.0033%; no homozygotes.

Submission:

Labcorp Genetics (formerly Invitae), Labcorp
Classification: Uncertain significance for Left ventricular noncompaction 1. Last evaluated: 2024-02-16. Review status: criteria provided, single submitter. Criteria: Invitae Variant Classification Sherloc (09022015). Collection method: clinical testing. Allele origin: germline.
Comment: This sequence change replaces arginine, which is basic and polar, with glutamine, which is neutral and polar, at codon 578 of the DTNA protein (p.Arg578Gln). This variant is present in population databases (rs768575898, gnomAD 0.006%). This variant has not been reported in the literature in individuals affected with DTNA-related conditions. An algorithm developed to predict the effect of missense changes on protein structure and function (PolyPhen-2) suggests that this variant is likely to be tolerated. In summary, the available evidence is currently insufficient to determine the role of this variant in disease. Therefore, it has been classified as a Variant of Uncertain Significance.

NM_001386795.1(DTNA):c.1814G>A (p.Arg605Gln)

Gene: DTNA (dystrobrevin alpha; plus strand). Cytogenetic location: 18q12.1.
Variant type: single nucleotide variant.
Coding change: c.1814G>A on transcript NM_001386795.1 (MANE Select); coding-DNA position 1814, G replaced by A.
Protein change: p.Arg605Gln; replaces arginine 605 with glutamine.
Molecular consequence: missense variant.
Genome position (GRCh38, 1-based): chr18:34,875,309, G>A. VCF-style: chr18-34875309-G-A. GRCh37 (hg19) VCF-style: chr18-32455273-G-A.
Other names: c.1553G>A, p.Arg518Gln (NM_001198938.2, NM_001198940.2, NM_001386753.1 and 5 more transcripts); c.1574G>A, p.Arg525Gln (NM_001198939.2); c.860G>A, p.Arg287Gln (NM_001198942.1); c.803G>A, p.Arg268Gln (NM_001198943.1); c.689G>A, p.Arg230Gln (NM_001198944.1); c.1643G>A, p.Arg548Gln (NM_001386754.1, NM_001386755.1, NM_001386756.1 and 3 more transcripts); c.1640G>A, p.Arg547Gln (NM_001386760.1); c.1562G>A, p.Arg521Gln (NM_001386761.1, NM_032975.4); and 5 more; short protein forms R287Q, R520Q, R517Q, R518Q, R525Q, R548Q, R226Q, R230Q.
Identifiers: ClinVar variation 2990378 (VCV002990378.3), dbSNP rs768575898, ClinGen allele CA8935854.